The following is an entry in ClinVar:

ClinVar aggregate classification (germline): Uncertain significance. Review status: criteria provided, multiple submitters, no conflicts (2 of 4 stars). 2 submissions from 2 submitters: Uncertain significance (2). Last evaluated 2025-05-20.

Conditions:
Inborn genetic diseases. Identifiers: MedGen C0950123, MeSH D030342.
Vici syndrome (VICIS). Identifiers: Orphanet 1493, MedGen C1855772, MONDO:0009452, OMIM 242840.

gnomAD v4.1: 3 of 1,613,890 alleles (0.00019%); highest among the groups gnomAD compares: Non-Finnish European, 0.00025%; no homozygotes.

Submissions (2):

Ambry Genetics
Classification: Uncertain significance for Inborn genetic diseases. Last evaluated: 2025-05-20. Review status: criteria provided, single submitter. Criteria: Ambry Variant Classification Scheme 2023. Collection method: clinical testing. Allele origin: germline.

Labcorp Genetics (formerly Invitae), Labcorp
Classification: Uncertain significance for Vici syndrome. Last evaluated: 2023-08-19. Review status: criteria provided, single submitter. Criteria: Invitae Variant Classification Sherloc (09022015). Collection method: clinical testing. Allele origin: germline.
Comment: This sequence change replaces leucine, which is neutral and non-polar, with histidine, which is basic and polar, at codon 823 of the EPG5 protein (p.Leu823His). This variant is not present in population databases (gnomAD no frequency). This variant has not been reported in the literature in individuals affected with EPG5-related conditions. Advanced modeling of protein sequence and biophysical properties (such as structural, functional, and spatial information, amino acid conservation, physicochemical variation, residue mobility, and thermodynamic stability) performed at Invitae indicates that this missense variant is expected to disrupt EPG5 protein function. In summary, the available evidence is currently insufficient to determine the role of this variant in disease. Therefore, it has been classified as a Variant of Uncertain Significance.

NM_020964.3(EPG5):c.2468T>A (p.Leu823His)

Gene: EPG5 (ectopic P-granules 5 autophagy tethering factor; minus strand). Cytogenetic location: 18q21.1.
Variant type: single nucleotide variant.
Coding change: c.2468T>A on transcript NM_020964.3 (MANE Select); coding-DNA position 2468, T replaced by A.
Protein change: p.Leu823His; replaces leucine 823 with histidine.
Molecular consequence: missense variant.
Genome position (GRCh38, 1-based): chr18:45,928,954, A>T on the plus strand (T>A on the coding strand, the complement: EPG5 is on the minus strand). VCF-style: chr18-45928954-A-T. GRCh37 (hg19) VCF-style: chr18-43508920-A-T.
Other names: c.2468T>A, p.Leu823His (NM_001410858.1, NM_001410859.1); c.2468T>A (NM_020964.2); short protein forms L823H.
Identifiers: ClinVar variation 2958067 (VCV002958067.2), dbSNP rs368314420, ClinGen allele CA402346672.